The following is an entry in ClinVar:

NC_000004.11:g.(?_980775)_(981040_?)del

Genes: IDUA (alpha-L-iduronidase; plus strand), SLC26A1 (solute carrier family 26 member 1; minus strand). Cytogenetic location: 4p16.3.
Variant type: Deletion.
Identifiers: ClinVar variation 2422581 (VCV002422581.4).

ClinVar aggregate classification (germline): Pathogenic (1 of 4 stars; one submission).

Conditions:
Mucopolysaccharidosis type 1. Also called: IDUA deficiency; MPS I. Identifiers: Orphanet 579, MedGen C0023786, MONDO:0001586.

Submission:

Labcorp Genetics (formerly Invitae), Labcorp
Classification: Pathogenic for Mucopolysaccharidosis type 1. Last evaluated: 2022-08-07. Review status: criteria provided, single submitter. Criteria: Invitae Variant Classification Sherloc (09022015). Collection method: clinical testing. Allele origin: germline.
Comment: This variant is a gross deletion of the genomic region encompassing exon(s) 1 of the IDUA gene, which includes the initiator codon. This deletion extends beyond the assayed region for this gene and therefore may encompass additional genes. It is expected to result in an absent or disrupted protein product. Loss-of-function variants in IDUA are known to be pathogenic (PMID: 11735025, 21480867). This variant has not been reported in the literature in individuals affected with IDUA-related conditions. For these reasons, this variant has been classified as Pathogenic.

Literature cited by the submitters: PubMed 11735025; PubMed 21480867.